The following is an entry in ClinVar:

ClinVar aggregate classification (germline): Uncertain significance (1 of 4 stars; one submission).

Conditions:
Diaphragmatic hernia 4, with cardiovascular defects (DIH4). Identifiers: MedGen C5774210, MONDO:0859571, OMIM 620025.

Submission:

MVZ Medizinische Genetik Mainz
Classification: Uncertain significance for Diaphragmatic hernia 4, with cardiovascular defects. Last evaluated: 2023-06-14. Review status: criteria provided, single submitter. Criteria: UK Practice Guidelines For Variant Classification V4 01 2020. Collection method: clinical testing. Allele origin: germline. Inheritance: Autosomal recessive inheritance. Affected: yes. Observed: 1 variant allele.
Comment: ACMG Criteria: PM2_SUP,PP3

NM_003888.4(ALDH1A2):c.1087-1G>T

Gene: ALDH1A2 (aldehyde dehydrogenase 1 family member A2; minus strand). Cytogenetic location: 15q21.3.
Variant type: single nucleotide variant.
Coding change: c.1087-1G>T on transcript NM_003888.4 (MANE Select); the canonical splice acceptor site of the intron before coding-DNA position 1087, G replaced by T.
Molecular consequence: splice acceptor variant.
Genome position (GRCh38, 1-based): chr15:57,962,177, C>A on the plus strand (G>T on the coding strand, the complement: ALDH1A2 is on the minus strand). VCF-style: chr15-57962177-C-A. GRCh37 (hg19) VCF-style: chr15-58254375-C-A.
Other names: c.973-1G>T (NM_170696.3); c.1024-1G>T (NM_001206897.2); c.799-1G>T (NM_170697.3).
Identifiers: ClinVar variation 3235240 (VCV003235240.1), dbSNP rs2504838456.